The following is an entry in ClinVar:

NM_001692.4(ATP6V1B1):c.1258dup (p.Tyr420fs)

Gene: ATP6V1B1 (ATPase H+ transporting V1 subunit B1; plus strand). Cytogenetic location: 2p13.3.
Variant type: Duplication.
Coding change: c.1258dup on transcript NM_001692.4 (MANE Select); coding-DNA position 1258, one base duplicated (T; older notation c.1258dupT).
Protein change: p.Tyr420fs; shifts the reading frame from tyrosine 420.
Molecular consequence: frameshift variant.
Genome position (GRCh38, 1-based): chr2:70,964,745, T duplicated. VCF-style (leftmost placement, unchanged base first): chr2-70964744-C-CT. GRCh37 (hg19) VCF-style: chr2-71191874-C-CT.
Other names: short protein forms Y420fs.
Identifiers: ClinVar variation 1458465 (VCV001458465.11), dbSNP rs2104834299, ClinGen allele CA2573135889.

ClinVar aggregate classification (germline): Pathogenic. Review status: criteria provided, multiple submitters, no conflicts (2 of 4 stars). 2 submissions from 2 submitters: Pathogenic (2). Last evaluated 2021-12-05.

Conditions:
Renal tubular acidosis with progressive nerve deafness. Also called: renal tubular acidosis, distal, 2, with progressive sensorineural hearing loss; Distal Renal Tubular Acidosis with Progressive Sensorineural Deafness; RENAL TUBULAR ACIDOSIS, AUTOSOMAL RECESSIVE, WITH PROGRESSIVE NERVE DEAFNESS; RTA WITH PROGRESSIVE NERVE DEAFNESS. Identifiers: MedGen C0403554, MONDO:0009968, OMIM 267300.

Allele frequency attached by ClinVar (database versions not stated): gnomAD exomes 0.00001.

Submissions (2):

Fulgent Genetics
Classification: Pathogenic for Renal tubular acidosis with progressive nerve deafness. Last evaluated: 2021-12-05. Review status: criteria provided, single submitter. Criteria: ACMG Guidelines, 2015. Collection method: clinical testing. Allele origin: unknown.

Labcorp Genetics (formerly Invitae), Labcorp
Classification: Pathogenic. Last evaluated: 2021-05-13. Review status: criteria provided, single submitter. Criteria: Invitae Variant Classification Sherloc (09022015). Collection method: clinical testing. Allele origin: germline.
Comment: For these reasons, this variant has been classified as Pathogenic. This variant has been observed in individual(s) with distal renal tubular acidosis with deafness (PMID: 22966473). This variant is also known as c.1259insT, p.420fs434X. This variant is not present in population databases (ExAC no frequency). This sequence change creates a premature translational stop signal (p.Tyr420Leufs*22) in the ATP6V1B1 gene. It is expected to result in an absent or disrupted protein product. Loss-of-function variants in ATP6V1B1 are known to be pathogenic (PMID: 9916796, 18368028).

Literature cited by the submitters: PubMed 22966473 (cited by Labcorp Genetics (formerly Invitae), Labcorp); PubMed 9916796 (cited by Labcorp Genetics (formerly Invitae), Labcorp); PubMed 18368028 (cited by Labcorp Genetics (formerly Invitae), Labcorp).